The following is an entry in ClinVar:

NM_001195263.2(PDZD7):c.2335CGCAGC[1] (p.773RS[4])

Gene: PDZD7 (PDZ domain containing 7; minus strand). Cytogenetic location: 10q24.31.
Variant type: Microsatellite.
Coding change: c.2335CGCAGC[1] on transcript NM_001195263.2 (MANE Select); one copy of the 6-base unit CGCAGC starting at c.2335; the reference has three copies in a row; two copies, 12 bases deleted.
Protein change: p.773RS[4].
Molecular consequence: inframe deletion.
Genome position (GRCh38, 1-based): chr10:101,010,537-101,010,548, GCTGCGGCTGCG deleted on the plus strand (CGCAGCCGCAGC on the coding strand, the reverse complement: PDZD7 is on the minus strand); deleting any 12 consecutive bases within chr10:101,010,537-101,010,557 gives the same sequence; the position shown is the placement nearest the transcript's 3' end. VCF-style (leftmost placement, unchanged base first): chr10-101010536-TGCTGCGGCTGCG-T. GRCh37 (hg19) VCF-style: chr10-102770293-TGCTGCGGCTGCG-T.
Other names: c.2341_2352del12 (NM_001195263.1).
Identifiers: ClinVar variation 1051760 (VCV001051760.15), dbSNP rs200896335, ClinGen allele CA595644072.
Genomic context (GRCh38, chr10:101,010,536, plus strand): 5'-GGGCAGGGGTAGGCACCGGGGATGGGGAGCGTCTACCTGGAGACTTGCCTTGACCCCGGC[TGCTGCGGCTGCG>T]GCTGCGGCTACGGCTGCGGCTACGGCTCTGAGCCCGGCCCCGGATCTGGCTCTGCGGAGG-3'

ClinVar aggregate classification (germline): Conflicting classifications of pathogenicity. Review status: criteria provided, conflicting classifications (1 of 4 stars). 4 submissions from 4 submitters: Uncertain significance (1); Likely benign (3). Last evaluated 2026-03-10.

Conditions:
PDZD7-related disorder. Also called: PDZD7-related condition; PDZD7-related disorders.

Submissions (4):

PreventionGenetics, part of Exact Sciences
Classification: Uncertain significance for PDZD7-related condition. Last evaluated: 2026-03-10. Review status: criteria provided, single submitter. Criteria: ACMG Guidelines, 2015. Collection method: clinical testing. Allele origin: germline.
Comment: The PDZD7 c.2341_2352del12 variant is predicted to result in an in-frame deletion (p.Arg781_Ser784del). This variant was reported in an individual with hearing loss along with two other potentially causative variants in this gene (Luo et al. 2019. PubMed ID: 31129248). This variant is reported in 0.031% of alleles in individuals of African descent in gnomAD. At this time, the clinical significance of this variant is uncertain due to the absence of conclusive functional and genetic evidence.

Labcorp Genetics (formerly Invitae), Labcorp
Classification: Likely benign. Last evaluated: 2025-07-31. Review status: criteria provided, single submitter. Criteria: Invitae Variant Classification Sherloc (09022015). Collection method: clinical testing. Allele origin: germline.

Blueprint Genetics
Classification: Likely benign. Last evaluated: 2024-10-10. Review status: criteria provided, single submitter. Criteria: ACMG Guidelines, 2015. Collection method: clinical testing. Allele origin: germline.

GeneDx
Classification: Likely benign. Last evaluated: 2020-03-06. Review status: criteria provided, single submitter. Criteria: GeneDx Variant Classification Process June 2021. Collection method: clinical testing. Allele origin: germline. Affected: yes.
Comment: This variant is associated with the following publications: (PMID: 31129248)